The following is an entry in ClinVar:

ClinVar aggregate classification (germline): Uncertain significance (1 of 4 stars; one submission).

Conditions:
Noonan syndrome 9 (NS9). Identifiers: Orphanet 648, MedGen C4225282, MONDO:0014691, OMIM 616559.

gnomAD v4.1: 1 of 1,588,862 alleles (0.000063%); highest among the groups gnomAD compares: Non-Finnish European, 0.000086%; no homozygotes.

Submission:

Labcorp Genetics (formerly Invitae), Labcorp
Classification: Uncertain significance for Noonan syndrome 9. Last evaluated: 2024-04-25. Review status: criteria provided, single submitter. Criteria: Invitae Variant Classification Sherloc (09022015). Collection method: clinical testing. Allele origin: germline.
Comment: This sequence change replaces proline, which is neutral and non-polar, with serine, which is neutral and polar, at codon 1187 of the SOS2 protein (p.Pro1187Ser). This variant is not present in population databases (gnomAD no frequency). This variant has not been reported in the literature in individuals affected with SOS2-related conditions. Advanced modeling of protein sequence and biophysical properties (such as structural, functional, and spatial information, amino acid conservation, physicochemical variation, residue mobility, and thermodynamic stability) performed at Invitae indicates that this missense variant is not expected to disrupt SOS2 protein function with a negative predictive value of 95%. In summary, the available evidence is currently insufficient to determine the role of this variant in disease. Therefore, it has been classified as a Variant of Uncertain Significance.

NM_006939.4(SOS2):c.3559C>T (p.Pro1187Ser)

Gene: SOS2 (SOS Ras/Rho guanine nucleotide exchange factor 2; minus strand). Cytogenetic location: 14q21.3.
Variant type: single nucleotide variant.
Coding change: c.3559C>T on transcript NM_006939.4 (MANE Select); coding-DNA position 3559, C replaced by T.
Protein change: p.Pro1187Ser; replaces proline 1187 with serine.
Molecular consequence: missense variant.
Genome position (GRCh38, 1-based): chr14:50,118,784, G>A on the plus strand (C>T on the coding strand, the complement: SOS2 is on the minus strand). VCF-style: chr14-50118784-G-A. GRCh37 (hg19) VCF-style: chr14-50585502-G-A.
Other names: c.3460C>T, p.Pro1154Ser (NM_001411020.1); short protein forms P1187S, P1154S.
Identifiers: ClinVar variation 3636081 (VCV003636081.2).